The following is an entry in ClinVar:

NM_005619.5(RTN2):c.56C>T (p.Ser19Phe)

Genes: OPA3-RTN2 (OPA3-RTN2 readthrough; minus strand), RTN2 (reticulon 2; minus strand). Cytogenetic location: 19q13.32.
Variant type: single nucleotide variant.
Coding change: c.56C>T on transcript NM_005619.5 (MANE Select); coding-DNA position 56, C replaced by T.
Protein change: p.Ser19Phe; replaces serine 19 with phenylalanine.
Molecular consequence: missense variant.
Genome position (GRCh38, 1-based): chr19:45,495,118, G>A on the plus strand (C>T on the coding strand, the complement: RTN2 is on the minus strand). VCF-style: chr19-45495118-G-A. GRCh37 (hg19) VCF-style: chr19-45998376-G-A.
Other names: c.56C>T (NM_005619.4); c.56C>T, p.Ser19Phe (NM_206900.3); short protein forms S19F.
Identifiers: ClinVar variation 2334573 (VCV002334573.3), dbSNP rs2513744343, ClinGen allele CA406363542.

ClinVar aggregate classification (germline): Uncertain significance. Review status: criteria provided, multiple submitters, no conflicts (2 of 4 stars). 2 submissions from 2 submitters: Uncertain significance (2). Last evaluated 2024-11-27.

Conditions:
Inborn genetic diseases. Identifiers: MedGen C0950123, MeSH D030342.
RTN2-related disorder. Also called: RTN2-related condition.

Allele frequency attached by ClinVar (database versions not stated): gnomAD exomes below 0.00001.

Submissions (2):

PreventionGenetics, part of Exact Sciences
Classification: Uncertain significance for RTN2-related condition. Last evaluated: 2024-11-27. Review status: criteria provided, single submitter. Criteria: ACMG Guidelines, 2015. Collection method: clinical testing. Allele origin: germline.
Comment: The RTN2 c.56C>T variant is predicted to result in the amino acid substitution p.Ser19Phe. To our knowledge, this variant has not been reported in the literature or in a large population database (gnomAD), indicating this variant is rare. At this time, the clinical significance of this variant is uncertain due to the absence of conclusive functional and genetic evidence.

Ambry Genetics
Classification: Uncertain significance for Inborn genetic diseases. Last evaluated: 2022-12-13. Review status: criteria provided, single submitter. Criteria: Ambry Variant Classification Scheme 2023. Collection method: clinical testing. Allele origin: germline.